The following is an entry in ClinVar:

NM_001367873.1(SOX6):c.2425G>T (p.Asp809Tyr)

Gene: SOX6 (SRY-box transcription factor 6; minus strand). Cytogenetic location: 11p15.2.
Variant type: single nucleotide variant.
Coding change: c.2425G>T on transcript NM_001367873.1 (MANE Select); coding-DNA position 2425, G replaced by T.
Protein change: p.Asp809Tyr; replaces aspartic acid 809 with tyrosine.
Molecular consequence: missense variant.
Genome position (GRCh38, 1-based): chr11:15,972,871, C>A on the plus strand (G>T on the coding strand, the complement: SOX6 is on the minus strand). VCF-style: chr11-15972871-C-A. GRCh37 (hg19) VCF-style: chr11-15994417-C-A.
Other names: c.2344G>T, p.Asp782Tyr (NM_001145811.2, NM_017508.3); c.2425G>T, p.Asp809Tyr (NM_001145819.2); c.2302G>T, p.Asp768Tyr (NM_001367872.1); c.2365G>T, p.Asp789Tyr (NM_033326.3); short protein forms D768Y, D782Y, D789Y, D809Y.
Identifiers: ClinVar variation 3906422 (VCV003906422.1).

ClinVar aggregate classification (germline): Uncertain significance (1 of 4 stars; one submission).

Submission:

GeneDx
Classification: Uncertain significance. Last evaluated: 2024-12-22. Review status: criteria provided, single submitter. Criteria: GeneDx Variant Classification Process June 2021. Collection method: clinical testing. Allele origin: germline. Affected: yes.
Comment: Not observed at significant frequency in large population cohorts (gnomAD); In silico analysis supports that this missense variant has a deleterious effect on protein structure/function; Has not been previously published as pathogenic or benign to our knowledge